The following is an entry in ClinVar:

NM_022049.3(GPR88):c.289G>C (p.Gly97Arg)

Gene: GPR88 (G protein-coupled receptor 88; plus strand). Cytogenetic location: 1p21.2.
Variant type: single nucleotide variant.
Coding change: c.289G>C on transcript NM_022049.3 (MANE Select); coding-DNA position 289, G replaced by C.
Protein change: p.Gly97Arg; replaces glycine 97 with arginine.
Molecular consequence: missense variant.
Genome position (GRCh38, 1-based): chr1:100,539,255, G>C. VCF-style: chr1-100539255-G-C. GRCh37 (hg19) VCF-style: chr1-101004811-G-C.
Other names: short protein forms G97R.
Identifiers: ClinVar variation 2965341 (VCV002965341.3), dbSNP rs1243254321, ClinGen allele CA341391503.

ClinVar aggregate classification (germline): Uncertain significance (1 of 4 stars; one submission).

Allele frequency attached by ClinVar (database versions not stated): TOPMed below 0.00001.

Submission:

Labcorp Genetics (formerly Invitae), Labcorp
Classification: Uncertain significance. Last evaluated: 2023-03-21. Review status: criteria provided, single submitter. Criteria: Invitae Variant Classification Sherloc (09022015). Collection method: clinical testing. Allele origin: germline.
Comment: This variant has not been reported in the literature in individuals affected with GPR88-related conditions. In summary, the available evidence is currently insufficient to determine the role of this variant in disease. Therefore, it has been classified as a Variant of Uncertain Significance. An algorithm developed to predict the effect of missense changes on protein structure and function (PolyPhen-2) suggests that this variant is likely to be disruptive. This variant is not present in population databases (gnomAD no frequency). This sequence change replaces glycine, which is neutral and non-polar, with arginine, which is basic and polar, at codon 97 of the GPR88 protein (p.Gly97Arg).